The following is an entry in ClinVar:

ClinVar aggregate classification (germline): Uncertain significance (1 of 4 stars; one submission).

Conditions:
Brugada syndrome. Also called: Sudden Unexplained Death Syndrome; Sudden Unexplained Nocturnal Death Syndrome (SUNDS); Sudden unexplained nocturnal death syndrome; Sudden unexpected nocturnal death syndrome. Identifiers: Orphanet 130, MedGen C1142166, MONDO:0015263.

Allele frequency attached by ClinVar (database versions not stated): gnomAD exomes below 0.00001; TOPMed below 0.00001; gnomAD 0.00001.
gnomAD v4.1: 4 of 1,613,918 alleles (0.00025%); highest among the groups gnomAD compares: Non-Finnish European, 0.00034%; no homozygotes.

Submission:

Labcorp Genetics (formerly Invitae), Labcorp
Classification: Uncertain significance for Brugada syndrome. Last evaluated: 2022-03-09. Review status: criteria provided, single submitter. Criteria: Invitae Variant Classification Sherloc (09022015). Collection method: clinical testing. Allele origin: germline.
Comment: This sequence change replaces glutamic acid, which is acidic and polar, with aspartic acid, which is acidic and polar, at codon 106 of the GPD1L protein (p.Glu106Asp). This variant is not present in population databases (gnomAD no frequency). This variant has not been reported in the literature in individuals affected with GPD1L-related conditions. Algorithms developed to predict the effect of missense changes on protein structure and function (SIFT, PolyPhen-2, Align-GVGD) all suggest that this variant is likely to be tolerated. In summary, the available evidence is currently insufficient to determine the role of this variant in disease. Therefore, it has been classified as a Variant of Uncertain Significance.

NM_015141.4(GPD1L):c.318G>C (p.Glu106Asp)

Gene: GPD1L (glycerol-3-phosphate dehydrogenase 1 like; plus strand). Cytogenetic location: 3p22.3.
Variant type: single nucleotide variant.
Coding change: c.318G>C on transcript NM_015141.4 (MANE Select); coding-DNA position 318, G replaced by C.
Protein change: p.Glu106Asp; replaces glutamic acid 106 with aspartic acid.
Molecular consequence: missense variant.
Genome position (GRCh38, 1-based): chr3:32,138,679, G>C. VCF-style: chr3-32138679-G-C. GRCh37 (hg19) VCF-style: chr3-32180171-G-C.
Other names: short protein forms E106D.
Identifiers: ClinVar variation 1390667 (VCV001390667.8), dbSNP rs1700699957, ClinGen allele CA351974318.